The following is an entry in ClinVar:

ClinVar aggregate classification (germline): Likely benign. Review status: criteria provided, multiple submitters, no conflicts (2 of 4 stars). 2 submissions from 2 submitters: Likely benign (2). Last evaluated 2022-05-01.

Conditions:
Hyperkalemic periodic paralysis. Also called: Gamstorp disease; Familial hyperkalemic periodic paralysis. Identifiers: Orphanet 682, MedGen C0238357, MONDO:0008224, OMIM 170500, HP:0007215.

Allele frequency attached by ClinVar (database versions not stated): ExAC 0.00012; gnomAD 0.00001; TOPMed 0.00001; gnomAD exomes 0.00005 and 0.00008.
gnomAD v4.1: 29 of 1,613,842 alleles (0.0018%); highest among the groups gnomAD compares: Non-Finnish European, 0.0021%; no homozygotes.

Submissions (2):

CeGaT Center for Human Genetics Tuebingen
Classification: Likely benign. Last evaluated: 2022-05-01. Review status: criteria provided, single submitter. Criteria: CeGaT Center For Human Genetics Tuebingen Variant Classification Criteria Version 2. Collection method: clinical testing. Allele origin: germline. Affected: yes. Observed: 1 variant allele.
Comment: SCN4A: BP4, BP7

Labcorp Genetics (formerly Invitae), Labcorp
Classification: Likely benign for Hyperkalemic periodic paralysis. Last evaluated: 2021-05-31. Review status: criteria provided, single submitter. Criteria: Invitae Variant Classification Sherloc (09022015). Collection method: clinical testing. Allele origin: germline.

NM_000334.4(SCN4A):c.4995C>T (p.Asp1665=)

Genes: GH-LCR (growth hormone locus control region; plus strand), SCN4A (sodium voltage-gated channel alpha subunit 4; minus strand). Cytogenetic location: 17q23.3.
Variant type: single nucleotide variant.
Coding change: c.4995C>T on transcript NM_000334.4 (MANE Select); coding-DNA position 4995, C replaced by T.
Protein change: p.Asp1665=; no amino-acid change (aspartic acid 1665 retained).
Molecular consequence: synonymous variant.
Genome position (GRCh38, 1-based): chr17:63,941,287, G>A on the plus strand (C>T on the coding strand, the complement: SCN4A is on the minus strand). VCF-style: chr17-63941287-G-A. GRCh37 (hg19) VCF-style: chr17-62018647-G-A.
Identifiers: ClinVar variation 1571785 (VCV001571785.31), dbSNP rs750776495, ClinGen allele CA8708861.